The following is an entry in ClinVar:

ClinVar aggregate classification (germline): Uncertain significance (1 of 4 stars; one submission).

Conditions:
Gorlin syndrome. Also called: Nevoid Basal Cell Carcinoma Syndrome; Basal cell nevus syndrome. Identifiers: Orphanet 377, MedGen C0004779, MONDO:0007187.

Allele frequency attached by ClinVar (database versions not stated): gnomAD exomes 0.00001 and 0.00002; TOPMed 0.00002; ExAC 0.00003.
gnomAD v4.1: 24 of 1,614,086 alleles (0.0015%); highest among the groups gnomAD compares: African/African-American, 0.0053%; no homozygotes.

Submission:

Labcorp Genetics (formerly Invitae), Labcorp
Classification: Uncertain significance for Gorlin syndrome. Last evaluated: 2023-10-04. Review status: criteria provided, single submitter. Criteria: Invitae Variant Classification Sherloc (09022015). Collection method: clinical testing. Allele origin: germline.
Comment: This sequence change replaces valine, which is neutral and non-polar, with isoleucine, which is neutral and non-polar, at codon 519 of the PTCH2 protein (p.Val519Ile). This variant is present in population databases (rs113543298, gnomAD 0.01%). This variant has not been reported in the literature in individuals affected with PTCH2-related conditions. ClinVar contains an entry for this variant (Variation ID: 568058). An algorithm developed to predict the effect of missense changes on protein structure and function (PolyPhen-2) suggests that this variant is likely to be tolerated. In summary, the available evidence is currently insufficient to determine the role of this variant in disease. Therefore, it has been classified as a Variant of Uncertain Significance.

NM_003738.5(PTCH2):c.1555G>A (p.Val519Ile)

Gene: PTCH2 (patched 2; minus strand). Cytogenetic location: 1p34.1.
Variant type: single nucleotide variant.
Coding change: c.1555G>A on transcript NM_003738.5 (MANE Select); coding-DNA position 1555, G replaced by A.
Protein change: p.Val519Ile; replaces valine 519 with isoleucine.
Molecular consequence: missense variant.
Genome position (GRCh38, 1-based): chr1:44,828,541, C>T on the plus strand (G>A on the coding strand, the complement: PTCH2 is on the minus strand). VCF-style: chr1-44828541-C-T. GRCh37 (hg19) VCF-style: chr1-45294213-C-T.
Other names: c.1555G>A, p.Val519Ile (NM_001166292.2); short protein forms V519I.
Identifiers: ClinVar variation 568058 (VCV000568058.9), dbSNP rs113543298, ClinGen allele CA823273.